The following is an entry in ClinVar:

NM_032737.4(LMNB2):c.23G>A (p.Arg8His)

Genes: LMNB2 (lamin B2; minus strand), LOC130063066 (ATAC-STARR-seq lymphoblastoid silent region 9792; plus strand). Cytogenetic location: 19p13.3.
Variant type: single nucleotide variant.
Coding change: c.23G>A on transcript NM_032737.4 (MANE Select); coding-DNA position 23, G replaced by A.
Protein change: p.Arg8His; replaces arginine 8 with histidine.
Molecular consequence: missense variant.
Genome position (GRCh38, 1-based): chr19:2,456,911, C>T on the plus strand (G>A on the coding strand, the complement: LMNB2 is on the minus strand). VCF-style: chr19-2456911-C-T. GRCh37 (hg19) VCF-style: chr19-2456909-C-T.
Other names: short protein forms R8H.
Identifiers: ClinVar variation 1423028 (VCV001423028.8), dbSNP rs942561547, ClinGen allele CA304250270.

ClinVar aggregate classification (germline): Uncertain significance (1 of 4 stars; one submission).

Conditions:
Lipodystrophy, partial, acquired, susceptibility to (APLD). Also called: APLD, SUSCEPTIBILITY TO. Identifiers: MedGen C3887501, MONDO:0100476, OMIM 608709.
Progressive myoclonic epilepsy type 9. Identifiers: Orphanet 457265, MedGen C4225289, MONDO:0014685, OMIM 616540.

Allele frequency attached by ClinVar (database versions not stated): gnomAD 0.00001; gnomAD exomes 0.00001.
gnomAD v4.1: 10 of 1,002,576 alleles (0.001%); highest among the groups gnomAD compares: African/African-American, 0.0035%; no homozygotes.

Submission:

Labcorp Genetics (formerly Invitae), Labcorp
Classification: Uncertain significance for Progressive myoclonic epilepsy type 9; Lipodystrophy, partial, acquired, susceptibility to. Last evaluated: 2024-02-16. Review status: criteria provided, single submitter. Criteria: Invitae Variant Classification Sherloc (09022015). Collection method: clinical testing. Allele origin: germline.
Comment: This sequence change replaces arginine, which is basic and polar, with histidine, which is basic and polar, at codon 8 of the LMNB2 protein (p.Arg8His). The frequency data for this variant in the population databases is considered unreliable, as metrics indicate insufficient coverage at this position in the gnomAD database. This variant has not been reported in the literature in individuals affected with LMNB2-related conditions. ClinVar contains an entry for this variant (Variation ID: 1423028). Algorithms developed to predict the effect of missense changes on protein structure and function output the following: SIFT: "Not Available"; PolyPhen-2: "Not Available"; Align-GVGD: "Not Available". The histidine amino acid residue is found in multiple mammalian species, which suggests that this missense change does not adversely affect protein function. In summary, the available evidence is currently insufficient to determine the role of this variant in disease. Therefore, it has been classified as a Variant of Uncertain Significance.